The following is an entry in ClinVar:

NM_001256715.2(DNAAF3):c.514C>G (p.Arg172Gly)

Genes: DNAAF3 (dynein axonemal assembly factor 3; minus strand), DNAAF3-AS1 (DNAAF3 antisense RNA 1; plus strand). Cytogenetic location: 19q13.42.
Variant type: single nucleotide variant.
Coding change: c.514C>G on transcript NM_001256715.2 (MANE Select); coding-DNA position 514, C replaced by G.
Protein change: p.Arg172Gly; replaces arginine 172 with glycine.
Molecular consequence: missense variant.
Genome position (GRCh38, 1-based): chr19:55,161,792, G>C on the plus strand (C>G on the coding strand, the complement: DNAAF3 is on the minus strand). VCF-style: chr19-55161792-G-C. GRCh37 (hg19) VCF-style: chr19-55673160-G-C.
Other names: c.718C>G, p.Arg240Gly (NM_001256714.1); c.352C>G, p.Arg118Gly (NM_001256716.2); c.655C>G, p.Arg219Gly (NM_178837.4); short protein forms R118G, R172G, R240G, R219G.
Identifiers: ClinVar variation 1757583 (VCV001757583.2), dbSNP rs2085840508, ClinGen allele CA407455903.
Genomic context (GRCh38, chr19:55,161,792, plus strand): 5'-AGTCCCAGAGGCGGCTCATGGGGAACGCCTGGGGCCCTTTCTCGCCGCCAGCCCAGAAGC[G>C]GAATACGGCCTCCAGGGCATCCCGCTCGCGGAACTGCGGGGCCAGGCACGCGGTGGGACA-3'
Protein context (NP_001243644.1, residues 162-182): RERDALEAVF[Arg172Gly]FWAGGEKGPQ

ClinVar aggregate classification (germline): Uncertain significance (1 of 4 stars; one submission).

Conditions:
Primary ciliary dyskinesia. Also called: Ciliary dyskinesia. Identifiers: Orphanet 244, MedGen C0008780, MONDO:0016575, HP:0012265.

Submission:

Ambry Genetics
Classification: Uncertain significance for Primary ciliary dyskinesia. Last evaluated: 2019-04-29. Review status: criteria provided, single submitter. Criteria: Ambry Variant Classification Scheme 2023. Collection method: clinical testing. Allele origin: germline.
Comment: The p.R240G variant (also known as c.718C>G), located in coding exon 6 of the DNAAF3 gene, results from a C to G substitution at nucleotide position 718. The arginine at codon 240 is replaced by glycine, an amino acid with dissimilar properties. This amino acid position is well conserved in available vertebrate species. In addition, this alteration is predicted to be tolerated by in silico analysis. Since supporting evidence is limited at this time, the clinical significance of this alteration remains unclear.